The following is an entry in ClinVar:

NM_007294.4(BRCA1):c.5036_5037del (p.Leu1679fs)

Gene: BRCA1 (BRCA1 DNA repair associated; minus strand). Cytogenetic location: 17q21.31.
Variant type: Deletion.
Coding change: c.5036_5037del on transcript NM_007294.4 (MANE Select); coding-DNA positions 5036 to 5037, 2 bases deleted (TA; older notation c.5036_5037delTA).
Protein change: p.Leu1679fs; shifts the reading frame from leucine 1679.
Molecular consequence: frameshift variant. On other transcripts: intron variant (1).
Genome position (GRCh38, 1-based): chr17:43,067,645-43,067,646, TA deleted on the plus strand (TA on the coding strand, the reverse complement: BRCA1 is on the minus strand). VCF-style (leftmost placement, unchanged base first): chr17-43067644-TTA-T. GRCh37 (hg19) VCF-style: chr17-41219661-TTA-T.
Other names: c.4823_4824del, p.Leu1608fs (NM_001407571.1, NM_001407894.1, NM_001407895.1 and 12 more transcripts); c.5102_5103del, p.Leu1701fs (NM_001407581.1, NM_001407582.1); c.5099_5100del, p.Leu1700fs (NM_001407583.1, NM_001407585.1, NM_001407587.1 and 1 more transcripts); c.5096_5097del, p.Leu1699fs (NM_001407590.1, NM_001407591.1); c.5036_5037del, p.Leu1679fs (NM_001407593.1, NM_001407594.1, NM_001407596.1 and 8 more transcripts); c.5033_5034del, p.Leu1678fs (NM_001407610.1, NM_001407611.1, NM_001407612.1 and 17 more transcripts); c.5030_5031del, p.Leu1677fs (NM_001407627.1, NM_001407628.1, NM_001407629.1 and 14 more transcripts); c.5027_5028del, p.Leu1676fs (NM_001407644.1, NM_001407645.1); and 72 more; short protein forms L1382fs, L1383fs, L1589fs, L1590fs, L1610fs, L1632fs, L1635fs, L1660fs.
Identifiers: ClinVar variation 2739034 (VCV002739034.3), dbSNP rs2550264308, ClinGen allele CA2697559915.

ClinVar aggregate classification (germline): Pathogenic (1 of 4 stars; one submission).

Conditions:
Hereditary breast ovarian cancer syndrome. Also called: BRCA1- and BRCA2-Associated Hereditary Breast and Ovarian Cancer; Hereditary breast and ovarian cancer syndrome; Hereditary breast and ovarian cancer syndrome (HBOC); Hereditary breast and/or ovarian cancer syndrome; Breast and ovarian cancer; Hereditary breast and ovarian cancer. Identifiers: Orphanet 145, MedGen C0677776, MeSH D061325, MONDO:0003582. Disease mechanism: loss of function.

Submission:

Labcorp Genetics (formerly Invitae), Labcorp
Classification: Pathogenic for Hereditary breast ovarian cancer syndrome. Last evaluated: 2025-09-21. Review status: criteria provided, single submitter. Criteria: Invitae Variant Classification Sherloc (09022015). Collection method: clinical testing. Allele origin: germline.
Comment: This sequence change creates a premature translational stop signal (p.Leu1679Hisfs*3) in the BRCA1 gene. It is expected to result in an absent or disrupted protein product. Loss-of-function variants in BRCA1 are known to be pathogenic (PMID: 20104584). This variant is not present in population databases (gnomAD no frequency). This variant has not been reported in the literature in individuals affected with BRCA1-related conditions. ClinVar contains an entry for this variant (Variation ID: 2739034). Algorithms developed to predict the effect of sequence changes on RNA splicing suggest that this variant may disrupt the consensus splice site. For these reasons, this variant has been classified as Pathogenic.

Literature cited by the submitters: PubMed 20104584.